The following is an entry in ClinVar:

NM_144992.5(VWA3B):c.1001_1013del (p.Arg334fs)

Gene: VWA3B (von Willebrand factor A domain containing 3B; plus strand). Cytogenetic location: 2q11.2.
Variant type: Deletion.
Coding change: c.1001_1013del on transcript NM_144992.5 (MANE Select); coding-DNA positions 1001 to 1013, 13 bases deleted (GAGAGGACGTGTT).
Protein change: p.Arg334fs; shifts the reading frame from arginine 334.
Molecular consequence: frameshift variant. On other transcripts: 5 prime UTR variant (1), non-coding transcript variant (3).
Genome position (GRCh38, 1-based): chr2:98,162,863-98,162,875, GAGAGGACGTGTT deleted. VCF-style (leftmost placement, unchanged base first): chr2-98162862-AGAGAGGACGTGTT-A. GRCh37 (hg19) VCF-style: chr2-98779325-AGAGAGGACGTGTT-A.
Other names: c.-29_-17del (NM_001345864.2); c.1001_1013del13 (NM_144992.5); short protein forms R334fs.
Identifiers: ClinVar variation 3336256 (VCV003336256.1).

ClinVar aggregate classification (germline): Uncertain significance (1 of 4 stars; one submission).

Submission:

Women's Health and Genetics/Laboratory Corporation of America, LabCorp
Classification: Uncertain significance. Last evaluated: 2024-05-02. Review status: criteria provided, single submitter. Criteria: LabCorp Variant Classification Summary - May 2015. Collection method: clinical testing. Allele origin: germline.
Comment: Variant summary: VWA3B c.1001_1013del13 (p.Arg334IlefsX62) results in a premature termination codon, predicted to cause absence of the protein due to nonsense mediated decay, however loss-of-function as the molecular mechanism of disease attributed to VWA3B is not established. The variant allele was found at a frequency of 1.6e-05 in 249382 control chromosomes. The available data on variant occurrences in the general population are insufficient to allow any conclusion about variant significance. To our knowledge, no occurrence of c.1001_1013del13 in individuals affected with Spinocerebellar Ataxia, Autosomal Recessive 22 and no experimental evidence demonstrating its impact on protein function have been reported. No submitters have cited clinical-significance assessments for this variant to ClinVar. Based on the evidence outlined above, the variant was classified as uncertain significance.